The following is an entry in ClinVar:

ClinVar aggregate classification (germline): Uncertain significance (1 of 4 stars; one submission).

gnomAD v4.1: 4 of 1,209,692 alleles (0.00033%); highest among the groups gnomAD compares: Admixed American, 0.0022%; no homozygotes.

Submission:

Dasa
Classification: Uncertain significance. Last evaluated: 2026-06-27. Review status: criteria provided, single submitter. Criteria: DASA Assertion Criteria. Collection method: clinical testing. Allele origin: germline.
Comment: NM_033380.3(COL4A5):c.2781G>T (p.Leu927Phe) is a missense variant that results in the substitution of leucine with phenylalanine. This variant is rare in population databases. The currently available literature and clinical evidence are not sufficient to establish a definitive association between this variant and the reported condition. Therefore, this variant is classified as a variant of uncertain significance.

NM_033380.3(COL4A5):c.2781G>T (p.Leu927Phe)

Gene: COL4A5 (collagen type IV alpha 5 chain; plus strand). Cytogenetic location: Xq22.3.
Variant type: single nucleotide variant.
Coding change: c.2781G>T on transcript NM_033380.3 (MANE Select); coding-DNA position 2781, G replaced by T.
Protein change: p.Leu927Phe; replaces leucine 927 with phenylalanine.
Molecular consequence: missense variant.
Genome position (GRCh38, 1-based): chrX:108,622,689, G>T. VCF-style: chrX-108622689-G-T. GRCh37 (hg19) VCF-style: chrX-107865919-G-T.
Other names: c.2781G>T, p.Leu927Phe (NM_000495.5); short protein forms L927F.
Identifiers: ClinVar variation 5020295 (VCV005020295.1).